The following is an entry in ClinVar:

NM_001378615.1(CC2D2A):c.717+4T>C

Genes: CC2D2A (coiled-coil and C2 domain containing 2A; plus strand), FBXL5 (F-box and leucine rich repeat protein 5; minus strand). Cytogenetic location: 4p15.32.
Variant type: single nucleotide variant.
Coding change: c.717+4T>C on transcript NM_001378615.1 (MANE Select); 4 bases into the intron after coding-DNA position 717, T replaced by C.
Molecular consequence: intron variant.
Genome position (GRCh38, 1-based): chr4:15,511,427, T>C. VCF-style: chr4-15511427-T-C. GRCh37 (hg19) VCF-style: chr4-15513050-T-C.
Other names: c.717+4T>C (NM_001080522.2); c.570+4T>C (NM_001378617.1).
Identifiers: ClinVar variation 3760346 (VCV003760346.2).
Genomic context (GRCh38, chr4:15,511,427, plus strand): 5'-GAGGAGGAGGAAGGGGAAGAAGAAGAACCACCTGCACAAGGAGGAGGAAAGGAAATGGTA[T>C]TTAATATCAGGATGGTAATGAGGTGTGGGTGGAGGGCTAGGAGGAAAAAGCTGATGTCCC-3'

ClinVar aggregate classification (germline): Uncertain significance (1 of 4 stars; one submission).

Conditions:
Joubert syndrome. Also called: JOUBERT-BOLTSHAUSER SYNDROME; Familial aplasia of the vermis. Identifiers: Orphanet 475, MedGen C5979921, MONDO:0018772.
Meckel-Gruber syndrome. Also called: DYSENCEPHALIA SPLANCHNOCYSTICA; GRUBER SYNDROME; Dysencephalia splachnocystica. Identifiers: Orphanet 564, MedGen C0265215, MONDO:0018921.

gnomAD v4.1: 1 of 1,530,042 alleles (0.000065%); highest among the groups gnomAD compares: Non-Finnish European, 0.000087%; no homozygotes.

Submission:

Labcorp Genetics (formerly Invitae), Labcorp
Classification: Uncertain significance for Joubert syndrome; Meckel-Gruber syndrome. Last evaluated: 2025-01-19. Review status: criteria provided, single submitter. Criteria: Invitae Variant Classification Sherloc (09022015). Collection method: clinical testing. Allele origin: germline.
Comment: This sequence change falls in intron 9 of the CC2D2A gene. It does not directly change the encoded amino acid sequence of the CC2D2A protein. It affects a nucleotide within the consensus splice site. This variant is not present in population databases (gnomAD no frequency). This variant has not been reported in the literature in individuals affected with CC2D2A-related conditions. Variants that disrupt the consensus splice site are a relatively common cause of aberrant splicing (PMID: 17576681, 9536098). Algorithms developed to predict the effect of sequence changes on RNA splicing suggest that this variant is not likely to affect RNA splicing. In summary, the available evidence is currently insufficient to determine the role of this variant in disease. Therefore, it has been classified as a Variant of Uncertain Significance.

Literature cited by the submitters: PubMed 17576681; PubMed 9536098.